The following is an entry in ClinVar:

NM_001429.4(EP300):c.6427G>A (p.Ala2143Thr)

Gene: EP300 (EP300 lysine acetyltransferase; plus strand). Cytogenetic location: 22q13.2.
Variant type: single nucleotide variant.
Coding change: c.6427G>A on transcript NM_001429.4 (MANE Select); coding-DNA position 6427, G replaced by A.
Protein change: p.Ala2143Thr; replaces alanine 2143 with threonine.
Molecular consequence: missense variant.
Genome position (GRCh38, 1-based): chr22:41,178,138, G>A. VCF-style: chr22-41178138-G-A. GRCh37 (hg19) VCF-style: chr22-41574142-G-A.
Other names: c.6349G>A, p.Ala2117Thr (NM_001362843.2); c.6427G>A (NM_001429.3); short protein forms A2117T, A2143T.
Identifiers: ClinVar variation 4778094 (VCV004778094.2).

ClinVar aggregate classification (germline): Uncertain significance. Review status: criteria provided, multiple submitters, no conflicts (2 of 4 stars). 2 submissions from 2 submitters: Uncertain significance (2). Last evaluated 2026-02-10.

Conditions:
Rubinstein-Taybi syndrome due to EP300 haploinsufficiency. Also called: RUBINSTEIN-TAYBI SYNDROME 2; EP300-Related Rubinstein-Taybi Syndrome. Identifiers: Orphanet 353284, Orphanet 783, MedGen C3150941, MONDO:0013364, OMIM 613684.
EP300-related disorder. Also called: EP300-related disorders; EP300-related condition.

Submissions (2):

PreventionGenetics, part of Exact Sciences
Classification: Uncertain significance for EP300-related condition. Last evaluated: 2026-02-10. Review status: criteria provided, single submitter. Criteria: ACMG Guidelines, 2015. Collection method: clinical testing. Allele origin: germline.
Comment: The EP300 c.6427G>A variant is predicted to result in the amino acid substitution p.Ala2143Thr. To our knowledge, this variant has not been reported in the literature or in a large population database (gnomAD), indicating this variant is rare. At this time, the clinical significance of this variant is uncertain due to the absence of conclusive functional and genetic evidence.

Labcorp Genetics (formerly Invitae), Labcorp
Classification: Uncertain significance for Rubinstein-Taybi syndrome due to EP300 haploinsufficiency. Last evaluated: 2025-09-22. Review status: criteria provided, single submitter. Criteria: Invitae Variant Classification Sherloc (09022015). Collection method: clinical testing. Allele origin: germline.
Comment: This sequence change replaces alanine, which is neutral and non-polar, with threonine, which is neutral and polar, at codon 2143 of the EP300 protein (p.Ala2143Thr). This variant is not present in population databases (gnomAD no frequency). This variant has not been reported in the literature in individuals affected with EP300-related conditions. Invitae Evidence Modeling of protein sequence and biophysical properties (such as structural, functional, and spatial information, amino acid conservation, physicochemical variation, residue mobility, and thermodynamic stability) indicates that this missense variant is not expected to disrupt EP300 protein function with a negative predictive value of 80%. In summary, the available evidence is currently insufficient to determine the role of this variant in disease. Therefore, it has been classified as a Variant of Uncertain Significance.